The following is an entry in ClinVar:

NM_000552.5(VWF):c.1108T>C (p.Cys370Arg)

Gene: VWF (von Willebrand factor; minus strand). Cytogenetic location: 12p13.31.
Variant type: single nucleotide variant.
Coding change: c.1108T>C on transcript NM_000552.5 (MANE Select); coding-DNA position 1108, T replaced by C.
Protein change: p.Cys370Arg; replaces cysteine 370 with arginine.
Molecular consequence: missense variant.
Genome position (GRCh38, 1-based): chr12:6,072,332, A>G on the plus strand (T>C on the coding strand, the complement: VWF is on the minus strand). VCF-style: chr12-6072332-A-G. GRCh37 (hg19) VCF-style: chr12-6181498-A-G.
Other names: short protein forms C370R.
Identifiers: ClinVar variation 4685839 (VCV004685839.1).
Genomic context (GRCh38, chr12:6,072,332, plus strand): 5'-GCTTCCCTCCCCAGTCCCCCAGGCAGGTCTCCCAGAGCACGCTGCGCAGCCCCCATTACC[A>G]GGTGTTGCAGTCTCGAGAGAGGGAGGTGCCGGGAGGGTAGCGCTTTCCGGAATGCACGCA-3'
Protein context (NP_000543.3, residues 360-380): GTSLSRDCNT[Cys370Arg]ICRNSQWICS

ClinVar aggregate classification (germline): Uncertain significance (1 of 4 stars; one submission).

Submission:

ARUP Laboratories, Molecular Genetics and Genomics, ARUP Laboratories
Classification: Uncertain significance. Last evaluated: 2025-05-21. Review status: criteria provided, single submitter. Criteria: ARUP Molecular Germline Variant Investigation Process 2024. Collection method: clinical testing. Allele origin: germline.
Comment: The VWF c.1108T>C; p.Cys370Arg variant, to our knowledge, is not reported in the medical literature or gene specific databases. This variant is also absent from the Genome Aggregation Database (v2.1.1), indicating it is not a common polymorphism. Additionally, another variant at this codon (c.1109G>A, p.Cys370Tyr) has been reported in individuals with von Willebrand disease (Borras 2019, Corrales 2012, Elayaperumal 2018). Computational analyses predict that this variant is deleterious (REVEL: 0.767). However, given the lack of clinical and functional data, the significance of the p.Cys370Arg variant is uncertain at this time. References: Borras N et al. Unraveling the effect of silent, intronic and missense mutations on VWF splicing: contribution of next generation sequencing in the study of mRNA. Haematologica. 2019 Mar;104(3):587-598. PMID: 30361419. Corrales I et al. High-throughput molecular diagnosis of von Willebrand disease by next generation sequencing methods. Haematologica. 2012 Jul;97(7):1003-7. PMID: 22315491. Elayaperumal S et al. Type-3 von Willebrand disease in India-Clinical spectrum and molecular profile. Haemophilia. 2018 Nov;24(6):930-940. PMID: 29984440.